The following is an entry in ClinVar:

NM_005883.3(APC2):c.2378C>T (p.Thr793Ile)

Gene: APC2 (APC regulator of Wnt signaling pathway 2; plus strand). Cytogenetic location: 19p13.3.
Variant type: single nucleotide variant.
Coding change: c.2378C>T on transcript NM_005883.3 (MANE Select); coding-DNA position 2378, C replaced by T.
Protein change: p.Thr793Ile; replaces threonine 793 with isoleucine.
Molecular consequence: missense variant.
Genome position (GRCh38, 1-based): chr19:1,465,679, C>T. VCF-style: chr19-1465679-C-T. GRCh37 (hg19) VCF-style: chr19-1465678-C-T.
Other names: c.2375C>T, p.Thr792Ile (NM_001351273.1); short protein forms T792I, T793I.
Identifiers: ClinVar variation 2000049 (VCV002000049.4), dbSNP rs1230085355, ClinGen allele CA403026169.

ClinVar aggregate classification (germline): Uncertain significance (1 of 4 stars; one submission).

Allele frequency attached by ClinVar (database versions not stated): TOPMed below 0.00001.
gnomAD v4.1: 3 of 1,595,536 alleles (0.00019%); highest among the groups gnomAD compares: African/African-American, 0.0013%; no homozygotes.

Submission:

Labcorp Genetics (formerly Invitae), Labcorp
Classification: Uncertain significance. Last evaluated: 2024-10-24. Review status: criteria provided, single submitter. Criteria: Invitae Variant Classification Sherloc (09022015). Collection method: clinical testing. Allele origin: germline.
Comment: This sequence change replaces threonine, which is neutral and polar, with isoleucine, which is neutral and non-polar, at codon 793 of the APC2 protein (p.Thr793Ile). This variant is not present in population databases (gnomAD no frequency). This variant has not been reported in the literature in individuals affected with APC2-related conditions. ClinVar contains an entry for this variant (Variation ID: 2000049). Invitae Evidence Modeling of protein sequence and biophysical properties (such as structural, functional, and spatial information, amino acid conservation, physicochemical variation, residue mobility, and thermodynamic stability) indicates that this missense variant is not expected to disrupt APC2 protein function with a negative predictive value of 80%. In summary, the available evidence is currently insufficient to determine the role of this variant in disease. Therefore, it has been classified as a Variant of Uncertain Significance.